The following is an entry in ClinVar:

NM_015506.3(MMACHC):c.650A>T (p.Glu217Val)

Genes: MMACHC (metabolism of cobalamin associated C; plus strand), LOC129930446 (ATAC-STARR-seq lymphoblastoid active region 972; plus strand). Cytogenetic location: 1p34.1.
Variant type: single nucleotide variant.
Coding change: c.650A>T on transcript NM_015506.3 (MANE Select); coding-DNA position 650, A replaced by T.
Protein change: p.Glu217Val; replaces glutamic acid 217 with valine.
Molecular consequence: missense variant.
Genome position (GRCh38, 1-based): chr1:45,509,016, A>T. VCF-style: chr1-45509016-A-T. GRCh37 (hg19) VCF-style: chr1-45974688-A-T.
Other names: c.479A>T, p.Glu160Val (NM_001330540.2); short protein forms E217V, E160V.
Identifiers: ClinVar variation 465313 (VCV000465313.16), dbSNP rs199641732, ClinGen allele CA827823.

ClinVar aggregate classification (germline): Uncertain significance. Review status: criteria provided, multiple submitters, no conflicts (2 of 4 stars). 6 submissions from 6 submitters: Uncertain significance (5). 1 of the submissions does not count toward it. Last evaluated 2024-06-20.

Conditions:
Cobalamin C disease. Also called: methylmalonic aciduria and homocystinuria type cblC; Methylmalonic aciduria with homocystinuria cblC type; Cobalamin-C methylmalonic acidemia and homocystinuria; Methylmalonic acidemia and homocystinuria cblC type; Methylmalonic aciduria and homocystinuria, Vitamin B12-responsive; Vitamin B12 metabolic defect with combined deficiency of methylmalonyl-CoA mutase and homocysteine:methyltetrahydrofolate methyltransferase. Identifiers: Orphanet 26, Orphanet 79282, MedGen C1848561, MONDO:0010184, OMIM 277400.
Inborn genetic diseases. Identifiers: MedGen C0950123, MeSH D030342.

Allele frequency attached by ClinVar (database versions not stated): ExAC 0.00009; gnomAD 0.00009; gnomAD exomes 0.00009; TOPMed 0.00009; ESP Exome Variant Server 0.00032.
gnomAD v4.1: 208 of 1,614,068 alleles (0.013%); highest among the groups gnomAD compares: Non-Finnish European, 0.017%; no homozygotes.

Submissions (6):

Fulgent Genetics
Classification: Uncertain significance for Cobalamin C disease. Last evaluated: 2024-06-20. Review status: criteria provided, single submitter. Criteria: ACMG Guidelines, 2015. Collection method: clinical testing. Allele origin: germline.

Ambry Genetics
Classification: Uncertain significance for Inborn genetic diseases. Last evaluated: 2023-04-26. Review status: criteria provided, single submitter. Criteria: Ambry Variant Classification Scheme 2023. Collection method: clinical testing. Allele origin: germline.

Genome-Nilou Lab
Classification: Uncertain significance for Cobalamin C disease. Last evaluated: 2023-04-11. Review status: criteria provided, single submitter. Criteria: ACMG Guidelines, 2015. Collection method: clinical testing. Allele origin: germline. Affected: no.

Labcorp Genetics (formerly Invitae), Labcorp
Classification: Uncertain significance for Cobalamin C disease. Last evaluated: 2021-08-12. Review status: criteria provided, single submitter. Criteria: Invitae Variant Classification Sherloc (09022015). Collection method: clinical testing. Allele origin: germline.
Comment: This sequence change replaces glutamic acid with valine at codon 217 of the MMACHC protein (p.Glu217Val). The glutamic acid residue is moderately conserved and there is a moderate physicochemical difference between glutamic acid and valine. This variant is present in population databases (rs199641732, ExAC 0.02%). This missense change has been observed in individual(s) with MMACHC-related conditions (Invitae). Algorithms developed to predict the effect of missense changes on protein structure and function are either unavailable or do not agree on the potential impact of this missense change (SIFT: "Tolerated"; PolyPhen-2: "Possibly Damaging"; Align-GVGD: "Class C0"). In summary, the available evidence is currently insufficient to determine the role of this variant in disease. Therefore, it has been classified as a Variant of Uncertain Significance.

Mayo Clinic Laboratories, Mayo Clinic
Classification: Uncertain significance. Last evaluated: 2020-05-06. Review status: criteria provided, single submitter. Criteria: ACMG Guidelines, 2015. Collection method: clinical testing. Allele origin: germline. Observed: 1 variant allele.

Natera, Inc.
Classification: Uncertain significance for Methylmalonic aciduria and homocystinuria cblC type. Last evaluated: 2018-04-21. Review status: no assertion criteria provided. Collection method: clinical testing. Allele origin: germline. Not counted in ClinVar's aggregate classification.